The following is an entry in ClinVar:

ClinVar aggregate classification (germline): Uncertain significance. Review status: criteria provided, multiple submitters, no conflicts (2 of 4 stars). 2 submissions from 2 submitters: Uncertain significance (2). Last evaluated 2025-12-24.

Allele frequency attached by ClinVar (database versions not stated): ESP Exome Variant Server 0.00008.
gnomAD v4.1: 12 of 1,613,898 alleles (0.00074%); highest among the groups gnomAD compares: Admixed American, 0.0017%; no homozygotes.

Submissions (2):

Labcorp Genetics (formerly Invitae), Labcorp
Classification: Uncertain significance. Last evaluated: 2025-12-24. Review status: criteria provided, single submitter. Criteria: Invitae Variant Classification Sherloc (09022015). Collection method: clinical testing. Allele origin: germline.
Comment: This sequence change replaces proline, which is neutral and non-polar, with arginine, which is basic and polar, at codon 495 of the NYNRIN protein (p.Pro495Arg). This variant is present in population databases (rs367907615, gnomAD 0.005%). This variant has not been reported in the literature in individuals affected with NYNRIN-related conditions. ClinVar contains an entry for this variant (Variation ID: 2516360). An algorithm developed to predict the effect of missense changes on protein structure and function outputs the following: PolyPhen-2: "Not Available". The arginine amino acid residue is found in multiple mammalian species, which suggests that this missense change does not adversely affect protein function. In summary, the available evidence is currently insufficient to determine the role of this variant in disease. Therefore, it has been classified as a Variant of Uncertain Significance.

Ambry Genetics
Classification: Uncertain significance. Last evaluated: 2023-06-06. Review status: criteria provided, single submitter. Criteria: Ambry Variant Classification Scheme 2023. Collection method: clinical testing. Allele origin: germline.

NM_025081.3(NYNRIN):c.1484C>G (p.Pro495Arg)

Gene: NYNRIN (NYN domain and retroviral integrase containing; plus strand). Cytogenetic location: 14q12.
Variant type: single nucleotide variant.
Coding change: c.1484C>G on transcript NM_025081.3 (MANE Select); coding-DNA position 1484, C replaced by G.
Protein change: p.Pro495Arg; replaces proline 495 with arginine.
Molecular consequence: missense variant.
Genome position (GRCh38, 1-based): chr14:24,409,278, C>G. VCF-style: chr14-24409278-C-G. GRCh37 (hg19) VCF-style: chr14-24878484-C-G.
Other names: short protein forms P495R.
Identifiers: ClinVar variation 2516360 (VCV002516360.3), dbSNP rs367907615, ClinGen allele CA7136800.